The following is an entry in ClinVar:

NM_004260.4(RECQL4):c.890A>C (p.Asp297Ala)

Gene: RECQL4 (RecQ like helicase 4; minus strand). Cytogenetic location: 8q24.3.
Variant type: single nucleotide variant.
Coding change: c.890A>C on transcript NM_004260.4 (MANE Select); coding-DNA position 890, A replaced by C.
Protein change: p.Asp297Ala; replaces aspartic acid 297 with alanine.
Molecular consequence: missense variant. On other transcripts: 5 prime UTR variant (17), non-coding transcript variant (3).
Genome position (GRCh38, 1-based): chr8:144,516,229, T>G on the plus strand (A>C on the coding strand, the complement: RECQL4 is on the minus strand). VCF-style: chr8-144516229-T-G. GRCh37 (hg19) VCF-style: chr8-145741613-T-G.
Other names: c.890A>C, p.Asp297Ala (NM_001413017.1, NM_001413018.1, NM_001413019.1 and 4 more transcripts); c.-182A>C (NM_001413021.1, NM_001413022.1, NM_001413023.1 and 7 more transcripts); c.761A>C, p.Asp254Ala (NM_001413025.1); c.-244A>C (NM_001413027.1, NM_001413030.1, NM_001413031.1 and 2 more transcripts); c.539A>C, p.Asp180Ala (NM_001413029.1); c.-86A>C (NM_001413034.1); c.-451A>C (NM_001413043.1); short protein forms D180A, D254A, D297A.
Identifiers: ClinVar variation 4863199 (VCV004863199.1).

ClinVar aggregate classification (germline): Uncertain significance (1 of 4 stars; one submission).

Conditions:
Inborn genetic diseases. Identifiers: MedGen C0950123, MeSH D030342.

Submission:

Ambry Genetics
Classification: Uncertain significance for Inborn genetic diseases. Last evaluated: 2026-05-20. Review status: criteria provided, single submitter. Criteria: Ambry Variant Classification Scheme 2023. Collection method: clinical testing. Allele origin: germline.
Comment: The p.D297A variant (also known as c.890A>C), located in coding exon 5 of the RECQL4 gene, results from an A to C substitution at nucleotide position 890. The aspartic acid at codon 297 is replaced by alanine, an amino acid with dissimilar properties. This amino acid position is conserved. In addition, this alteration is predicted to be tolerated by in silico analysis. Based on the available evidence, the clinical significance of this variant remains unclear.